The following is an entry in ClinVar:

ClinVar aggregate classification (germline): Benign/Likely benign. Review status: criteria provided, multiple submitters, no conflicts (2 of 4 stars). 3 submissions from 2 submitters: Benign (2); Likely benign (1). Last evaluated 2018-01-13.

Conditions:
Retinitis pigmentosa (RP). Identifiers: Orphanet 791, MedGen C0035334, MeSH D012174, MONDO:0019200, OMIM 268000. Inheritance: Autosomal dominant, autosomal recessive and X linked inheritance.
Leber congenital amaurosis 4 (LCA4). Identifiers: MedGen C1858386, MONDO:0011458, OMIM 604393.

Allele frequency attached by ClinVar (database versions not stated): gnomAD 0.11187 and 0.11244; TOPMed 0.11261; 1000 Genomes Project 30x 0.12102; 1000 Genomes Project 0.12121; gnomAD exomes 0.16667.
gnomAD v4.1: 17,088 of 152,290 alleles (11%); highest among the groups gnomAD compares: African/African-American, 15%; 1,072 homozygotes.

Submissions (3):

Illumina Laboratory Services, Illumina
Classification: Benign for Leber congenital amaurosis 4. Last evaluated: 2018-01-13. Review status: criteria provided, single submitter. Criteria: ICSL Variant Classification Criteria 13 December 2019. Collection method: clinical testing. Allele origin: germline.
Comment: This variant was observed in the ICSL laboratory as part of a predisposition screen in an ostensibly healthy population. It had not been previously curated by ICSL or reported in the Human Gene Mutation Database (HGMD: prior to June 1st, 2018), and was therefore a candidate for classification through an automated scoring system. Utilizing variant allele frequency, disease prevalence and penetrance estimates, and inheritance mode, an automated score was calculated to assess if this variant is too frequent to cause the disease. Based on the score and internal cut-off values, a variant classified as benign is not then subjected to further curation. The score for this variant resulted in a classification of benign for this disease.

Illumina Laboratory Services, Illumina
Classification: Benign for Retinitis pigmentosa. Last evaluated: 2018-01-13. Review status: criteria provided, single submitter. Criteria: ICSL Variant Classification Criteria 13 December 2019. Collection method: clinical testing. Allele origin: germline.
Comment: the same text as in the submission from Illumina Laboratory Services, Illumina above.

Breakthrough Genomics
Classification: Likely benign. Review status: criteria provided, single submitter. Criteria: ACMG Guidelines, 2015. Collection method: not provided. Allele origin: germline. Inheritance: Autosomal recessive inheritance. Affected: yes.

NM_014336.5(AIPL1):c.*1391C>T

Gene: AIPL1 (AIP like 1 HSP90 co-chaperone; minus strand). Cytogenetic location: 17p13.2.
Variant type: single nucleotide variant.
Coding change: c.*1391C>T on transcript NM_014336.5 (MANE Select); 1391 bases downstream of the stop codon, C replaced by T.
Molecular consequence: 3 prime UTR variant.
Genome position (GRCh38, 1-based): chr17:6,424,069, G>A on the plus strand (C>T on the coding strand, the complement: AIPL1 is on the minus strand). VCF-style: chr17-6424069-G-A. GRCh37 (hg19) VCF-style: chr17-6327389-G-A.
Other names: c.*1391C>T (NM_001033054.3, NM_001033055.3, NM_001285399.3 and 3 more transcripts).
Identifiers: ClinVar variation 324577 (VCV000324577.7), dbSNP rs907939, ClinGen allele CA10646475.